The following is an entry in ClinVar:

ClinVar aggregate classification (germline): Conflicting classifications of pathogenicity. Review status: criteria provided, conflicting classifications (1 of 4 stars). 4 submissions from 4 submitters: Likely pathogenic (1); Uncertain significance (3). Last evaluated 2026-07-04.

Conditions:
Aicardi-Goutieres syndrome 2. Identifiers: Orphanet 51, MedGen C3489724, MONDO:0012429, OMIM 610181.
Inborn genetic diseases. Identifiers: MedGen C0950123, MeSH D030342.

Allele frequency attached by ClinVar (database versions not stated): gnomAD 0.00001.
gnomAD v4.1: 9 of 1,611,480 alleles (0.00056%); highest among the groups gnomAD compares: Admixed American, 0.013%; no homozygotes.

Submissions (4):

GeneDx
Classification: Likely pathogenic. Last evaluated: 2026-07-04. Review status: criteria provided, single submitter. Criteria: GeneDx Variant Classification Process June 2021. Collection method: clinical testing. Allele origin: germline.
Comment: Not observed at significant frequency in large population cohorts (gnomAD); In silico analysis supports that this missense variant has a deleterious effect on protein structure/function; Missense variants in this gene are a common cause of disease and they are underrepresented in the general population; Has not been previously published as pathogenic or benign to our knowledge

Myriad Genetics, Inc.
Classification: Uncertain significance for Aicardi-Goutieres syndrome 2. Last evaluated: 2025-09-23. Review status: criteria provided, single submitter. Criteria: Myriad Autosomal Dominant, Autosomal Recessive and X-Linked Classification Criteria (2023). Collection method: clinical testing. Allele origin: unknown.
Comment: NM_024570.3(RNASEH2B):c.659T>C(I220T) is a missense variant classified as a variant of uncertain significance in the context of Aicardi-Goutires syndrome, RNASEH2B-related. I220T has not been observed in cases with relevant disease. Relevant functional assessments of this variant are not available in the literature. I220T has been observed in referenced population frequency databases. In summary, there is insufficient evidence to classify NM_024570.3(RNASEH2B):c.659T>C(I220T) as pathogenic or benign. Please note: this variant was assessed in the context of healthy population screening.

Ambry Genetics
Classification: Uncertain significance for Inborn genetic diseases. Last evaluated: 2024-07-05. Review status: criteria provided, single submitter. Criteria: Ambry Variant Classification Scheme 2023. Collection method: clinical testing. Allele origin: germline.

Labcorp Genetics (formerly Invitae), Labcorp
Classification: Uncertain significance for Aicardi-Goutieres syndrome 2. Last evaluated: 2021-08-30. Review status: criteria provided, single submitter. Criteria: Invitae Variant Classification Sherloc (09022015). Collection method: clinical testing. Allele origin: germline.
Comment: This sequence change replaces isoleucine with threonine at codon 220 of the RNASEH2B protein (p.Ile220Thr). The isoleucine residue is moderately conserved and there is a moderate physicochemical difference between isoleucine and threonine. This variant is present in population databases (rs747995413, ExAC 0.02%). This variant has not been reported in the literature in individuals affected with RNASEH2B-related conditions. Algorithms developed to predict the effect of missense changes on protein structure and function (SIFT, PolyPhen-2, Align-GVGD) all suggest that this variant is likely to be disruptive. In summary, the available evidence is currently insufficient to determine the role of this variant in disease. Therefore, it has been classified as a Variant of Uncertain Significance.

NM_024570.4(RNASEH2B):c.659T>C (p.Ile220Thr)

Gene: RNASEH2B (ribonuclease H2 subunit B; plus strand). Cytogenetic location: 13q14.3.
Variant type: single nucleotide variant.
Coding change: c.659T>C on transcript NM_024570.4 (MANE Select); coding-DNA position 659, T replaced by C.
Protein change: p.Ile220Thr; replaces isoleucine 220 with threonine.
Molecular consequence: missense variant.
Genome position (GRCh38, 1-based): chr13:50,948,029, T>C. VCF-style: chr13-50948029-T-C. GRCh37 (hg19) VCF-style: chr13-51522165-T-C.
Other names: c.659T>C, p.Ile220Thr (NM_001142279.2); short protein forms I220T.
Identifiers: ClinVar variation 665255 (VCV000665255.10), dbSNP rs747995413, ClinGen allele CA6985655.
Genomic context (GRCh38, chr13:50,948,029, plus strand): 5'-TCCTTCTGTTTCTTTCAGAGGATTATATTCGTTATGCCCATGGTCTGATATCTGACTACA[T>C]CCCTAAAGAATTAAGTGATGACTTATCTAAATACTTAAAGTGAGTATTGATTATCTTCAG-3'
Protein context (NP_078846.2, residues 210-230): RYAHGLISDY[Ile220Thr]PKELSDDLSK